The following is an entry in ClinVar:

NM_004482.4(GALNT3):c.538C>T (p.Arg180Cys)

Gene: GALNT3 (polypeptide N-acetylgalactosaminyltransferase 3; minus strand). Cytogenetic location: 2q24.3.
Variant type: single nucleotide variant.
Coding change: c.538C>T on transcript NM_004482.4 (MANE Select); coding-DNA position 538, C replaced by T.
Protein change: p.Arg180Cys; replaces arginine 180 with cysteine.
Molecular consequence: missense variant.
Genome position (GRCh38, 1-based): chr2:165,765,034, G>A on the plus strand (C>T on the coding strand, the complement: GALNT3 is on the minus strand). VCF-style: chr2-165765034-G-A. GRCh37 (hg19) VCF-style: chr2-166621544-G-A.
Other names: short protein forms R180C.
Identifiers: ClinVar variation 1355829 (VCV001355829.4), dbSNP rs377392356, ClinGen allele CA1941195.

ClinVar aggregate classification (germline): Uncertain significance. Review status: criteria provided, multiple submitters, no conflicts (2 of 4 stars). 2 submissions from 2 submitters: Uncertain significance (2). Last evaluated 2024-06-17.

Conditions:
Tumoral calcinosis, hyperphosphatemic, familial, 1. Also called: HYPEROSTOSIS WITH HYPERPHOSPHATEMIA; HYPEROSTOSIS-HYPERPHOSPHATEMIA SYNDROME; CORTICAL HYPEROSTOSIS WITH HYPERPHOSPHATEMIA; CALCINOSIS, TUMORAL, WITH HYPERPHOSPHATEMIA; LIPOCALCINOGRANULOMATOSIS; MORBUS TEUTSCHLAENDER. Identifiers: Orphanet 53715, MedGen C4692564, MONDO:0100252, OMIM 211900.

Allele frequency attached by ClinVar (database versions not stated): ESP Exome Variant Server 0.00008; gnomAD exomes 0.00009 and 0.00014; gnomAD 0.00011; ExAC 0.00013; TOPMed 0.00014.
gnomAD v4.1: 153 of 1,613,978 alleles (0.0095%); highest among the groups gnomAD compares: East Asian, 0.036%; no homozygotes.

Submissions (2):

Fulgent Genetics
Classification: Uncertain significance for Tumoral calcinosis, hyperphosphatemic, familial, 1. Last evaluated: 2024-06-17. Review status: criteria provided, single submitter. Criteria: ACMG Guidelines, 2015. Collection method: clinical testing. Allele origin: germline.

Labcorp Genetics (formerly Invitae), Labcorp
Classification: Uncertain significance. Last evaluated: 2022-06-27. Review status: criteria provided, single submitter. Criteria: Invitae Variant Classification Sherloc (09022015). Collection method: clinical testing. Allele origin: germline.
Comment: This sequence change replaces arginine, which is basic and polar, with cysteine, which is neutral and slightly polar, at codon 180 of the GALNT3 protein (p.Arg180Cys). This variant is present in population databases (rs377392356, gnomAD 0.06%). This variant has not been reported in the literature in individuals affected with GALNT3-related conditions. Algorithms developed to predict the effect of missense changes on protein structure and function are either unavailable or do not agree on the potential impact of this missense change (SIFT: "Deleterious"; PolyPhen-2: "Possibly Damaging"; Align-GVGD: "Class C0"). In summary, the available evidence is currently insufficient to determine the role of this variant in disease. Therefore, it has been classified as a Variant of Uncertain Significance.